The following is an entry in ClinVar:

ClinVar aggregate classification (germline): Conflicting classifications of pathogenicity. Review status: criteria provided, conflicting classifications (1 of 4 stars). 4 submissions from 3 submitters: Uncertain significance (1); Benign (1); Likely benign (2). Last evaluated 2024-09-12.

Conditions:
Hawkinsinuria. Identifiers: Orphanet 2118, MedGen C2931042, MONDO:0007700, OMIM 140350, HP:0034457.
Tyrosinemia type III. Also called: Tyrosinemia type 3; 4-alpha hydroxyphenylpyruvic acid oxidase deficiency; 4-alpha hydroxyphenylpyruvate dioxygenase deficiency; 4-Hydroxyphenylpyruvate dioxygenase deficiency; 4-HYDROXYPHENYLPYRUVIC ACID OXIDASE DEFICIENCY. Identifiers: Orphanet 69723, MedGen C0268623, MONDO:0010162, OMIM 276710.

Allele frequency attached by ClinVar (database versions not stated): gnomAD 0.00002 and 0.00003; TOPMed 0.00004; gnomAD exomes 0.00005 and 0.00006; ExAC 0.00008; 1000 Genomes Project 0.00020; 1000 Genomes Project 30x 0.00062.
gnomAD v4.1: 79 of 1,612,834 alleles (0.0049%); highest among the groups gnomAD compares: East Asian, 0.04%; no homozygotes.

Submissions (4):

Blueprint Genetics
Classification: Likely benign. Last evaluated: 2024-09-12. Review status: criteria provided, single submitter. Criteria: ACMG Guidelines, 2015. Collection method: clinical testing. Allele origin: germline.

Labcorp Genetics (formerly Invitae), Labcorp
Classification: Likely benign for Tyrosinemia type III; Hawkinsinuria. Last evaluated: 2024-03-12. Review status: criteria provided, single submitter. Criteria: Invitae Variant Classification Sherloc (09022015). Collection method: clinical testing. Allele origin: germline.

Illumina Laboratory Services, Illumina
Classification: Benign for Hawkinsinuria. Last evaluated: 2018-01-12. Review status: criteria provided, single submitter. Criteria: ICSL Variant Classification Criteria 13 December 2019. Collection method: clinical testing. Allele origin: germline.
Comment: This variant was observed in the ICSL laboratory as part of a predisposition screen in an ostensibly healthy population. It had not been previously curated by ICSL or reported in the Human Gene Mutation Database (HGMD: prior to June 1st, 2018), and was therefore a candidate for classification through an automated scoring system. Utilizing variant allele frequency, disease prevalence and penetrance estimates, and inheritance mode, an automated score was calculated to assess if this variant is too frequent to cause the disease. Based on the score and internal cut-off values, a variant classified as benign is not then subjected to further curation. The score for this variant resulted in a classification of benign for this disease.

Illumina Laboratory Services, Illumina
Classification: Uncertain significance for Tyrosinemia type III. Last evaluated: 2018-01-12. Review status: criteria provided, single submitter. Criteria: ICSL Variant Classification Criteria 13 December 2019. Collection method: clinical testing. Allele origin: germline.

NM_002150.3(HPD):c.93+9C>T

Genes: HPD (4-hydroxyphenylpyruvate dioxygenase; minus strand), TIALD (transcript inducer of AURKA lysosomal degradation; plus strand). Cytogenetic location: 12q24.31.
Variant type: single nucleotide variant.
Coding change: c.93+9C>T on transcript NM_002150.3 (MANE Select); 9 bases into the intron after coding-DNA position 93, C replaced by T.
Molecular consequence: intron variant.
Genome position (GRCh38, 1-based): chr12:121,857,748, G>A on the plus strand (C>T on the coding strand, the complement: HPD is on the minus strand). VCF-style: chr12-121857748-G-A. GRCh37 (hg19) VCF-style: chr12-122295654-G-A.
Other names: c.-25+9C>T (NM_001171993.2).
Identifiers: ClinVar variation 307490 (VCV000307490.10), dbSNP rs542121054, ClinGen allele CA6839842.